The following is an entry in ClinVar:

ClinVar aggregate classification (germline): Pathogenic. Review status: criteria provided, single submitter (1 of 4 stars). 2 submissions from 2 submitters: Pathogenic (1). 1 of the submissions does not count toward it. Last evaluated 2024-02-06.

Conditions:
Fanconi anemia (FA). Also called: Fanconi's anemia. Identifiers: Orphanet 84, MedGen C0015625, MeSH D005199, MONDO:0019391.
Fanconi anemia complementation group A (FANCA). Also called: Fanconi anemia, group A; FANCA-Related Fanconi Anemia. Identifiers: Orphanet 84, MedGen C3469521, MONDO:0009215, OMIM 227650.

Allele frequency attached by ClinVar (database versions not stated): gnomAD exomes below 0.00001.
gnomAD v4.1: 1 of 1,614,264 alleles (0.000062%); highest among the groups gnomAD compares: Non-Finnish European, 0.000085%; no homozygotes.

Submissions (2):

Labcorp Genetics (formerly Invitae), Labcorp
Classification: Pathogenic for Fanconi anemia. Last evaluated: 2024-02-06. Review status: criteria provided, single submitter. Criteria: Invitae Variant Classification Sherloc (09022015). Collection method: clinical testing. Allele origin: germline.
Comment: This sequence change creates a premature translational stop signal (p.Trp893*) in the FANCA gene. It is expected to result in an absent or disrupted protein product. Loss-of-function variants in FANCA are known to be pathogenic (PMID: 19367192). This variant is not present in population databases (gnomAD no frequency). This premature translational stop signal has been observed in individual(s) with Fanconi anemia (PMID: 15643609). ClinVar contains an entry for this variant (Variation ID: 974335). Algorithms developed to predict the effect of sequence changes on RNA splicing suggest that this variant may disrupt the consensus splice site. For these reasons, this variant has been classified as Pathogenic.

Leiden Open Variation Database
Classification: Pathogenic for Fanconi anemia complementation group A. Last evaluated: 2020-02-28. Review status: no assertion criteria provided. Collection method: curation. Allele origin: germline. Affected: yes. Not counted in ClinVar's aggregate classification.
Comment: Curator: Arleen D. Auerbach. Submitter to LOVD: Arleen D. Auerbach.

Literature cited by the submitters: PubMed 19367192 (cited by Labcorp Genetics (formerly Invitae), Labcorp); PubMed 15643609 (cited by Labcorp Genetics (formerly Invitae), Labcorp); PubMed 16084127 (cited by Leiden Open Variation Database).

NM_000135.4(FANCA):c.2678G>A (p.Trp893Ter)

Genes: FANCA (FA complementation group A; minus strand), LOC130059837 (ATAC-STARR-seq lymphoblastoid active region 11420; plus strand). Cytogenetic location: 16q24.3.
Variant type: single nucleotide variant.
Coding change: c.2678G>A on transcript NM_000135.4 (MANE Select); coding-DNA position 2678, G replaced by A.
Protein change: p.Trp893Ter; replaces tryptophan 893 with a stop codon.
Molecular consequence: nonsense.
Genome position (GRCh38, 1-based): chr16:89,764,990, C>T on the plus strand (G>A on the coding strand, the complement: FANCA is on the minus strand). VCF-style: chr16-89764990-C-T. GRCh37 (hg19) VCF-style: chr16-89831398-C-T.
Other names: c.2678G>A, p.Trp893Ter (NM_001286167.3); short protein forms W893*.
Identifiers: ClinVar variation 974335 (VCV000974335.6), dbSNP rs2039077331, ClinGen allele CA397438492.